The following is an entry in ClinVar:

NM_025074.7(FRAS1):c.2870-5T>C

Gene: FRAS1 (Fraser extracellular matrix complex subunit 1; plus strand). Cytogenetic location: 4q21.21.
Variant type: single nucleotide variant.
Coding change: c.2870-5T>C on transcript NM_025074.7 (MANE Select); 5 bases into the intron before coding-DNA position 2870, T replaced by C.
Molecular consequence: intron variant.
Genome position (GRCh38, 1-based): chr4:78,372,713, T>C. VCF-style: chr4-78372713-T-C. GRCh37 (hg19) VCF-style: chr4-79293867-T-C.
Other names: c.2870-5T>C (NM_001166133.2).
Identifiers: ClinVar variation 907239 (VCV000907239.7), dbSNP rs768834170, ClinGen allele CA2976764.

ClinVar aggregate classification (germline): Conflicting classifications of pathogenicity. Review status: criteria provided, conflicting classifications (1 of 4 stars). 2 submissions from 2 submitters: Uncertain significance (1); Likely benign (1). Last evaluated 2025-12-22.

Conditions:
Fraser syndrome 1 (FRASRS1). Also called: CRYPTOPHTHALMOS WITH OTHER MALFORMATIONS. Identifiers: Orphanet 2052, MedGen C4551480, MONDO:0054737, OMIM 219000.

Allele frequency attached by ClinVar (database versions not stated): gnomAD 0.00001; TOPMed 0.00001; gnomAD exomes 0.00002 and 0.00004; ExAC 0.00003.

Submissions (2):

Labcorp Genetics (formerly Invitae), Labcorp
Classification: Likely benign. Last evaluated: 2025-12-22. Review status: criteria provided, single submitter. Criteria: Invitae Variant Classification Sherloc (09022015). Collection method: clinical testing. Allele origin: germline.

Illumina Laboratory Services, Illumina
Classification: Uncertain significance for Fraser syndrome 1. Last evaluated: 2017-04-28. Review status: criteria provided, single submitter. Criteria: ICSL Variant Classification Criteria 13 December 2019. Collection method: clinical testing. Allele origin: germline.
Comment: This variant was observed as part of a predisposition screen in an ostensibly healthy population. A literature search was performed for the gene, cDNA change, and amino acid change (where applicable). Publications were found based on this search. However, the evidence from the literature, in combination with allele frequency data from public databases where available, was not sufficient to rule this variant in or out of causing disease. Therefore, this variant is classified as a variant of unknown significance.

Literature cited by the submitters: PubMed 24583203 (cited by Illumina Laboratory Services, Illumina).